The following is an entry in ClinVar:

NM_130797.4(DPP6):c.1621G>A (p.Ala541Thr)

Gene: DPP6 (dipeptidyl peptidase like 6; plus strand). Cytogenetic location: 7q36.2.
Variant type: single nucleotide variant.
Coding change: c.1621G>A on transcript NM_130797.4 (MANE Select); coding-DNA position 1621, G replaced by A.
Protein change: p.Ala541Thr; replaces alanine 541 with threonine.
Molecular consequence: missense variant. On other transcripts: non-coding transcript variant (2).
Genome position (GRCh38, 1-based): chr7:154,807,067, G>A. VCF-style: chr7-154807067-G-A. GRCh37 (hg19) VCF-style: chr7-154598777-G-A.
Other names: c.1429G>A, p.Ala477Thr (NM_001039350.3); c.1300G>A, p.Ala434Thr (NM_001290252.2); c.1438G>A, p.Ala480Thr (NM_001364497.2, NM_001364498.2, NM_001364499.2 and 1 more transcripts); c.1435G>A, p.Ala479Thr (NM_001936.5); short protein forms A434T, A477T, A479T, A480T, A541T.
Identifiers: ClinVar variation 1049266 (VCV001049266.2), dbSNP rs755543207, ClinGen allele CA4583619.
Genomic context (GRCh38, chr7:154,807,067, plus strand): 5'-GGCAACTTCAACAGGCAGTGCCTCTCCTGTGACCTGGTTGAGAACTGCACCTACTTCAGC[G>A]CTTCCTTCAGCCATAGCATGGACTTCTTCCTGCTCAAGTGCGAAGGTCAGCTCCTGCCAC-3'
Protein context (NP_570629.2, residues 531-551): DLVENCTYFS[Ala541Thr]SFSHSMDFFL

ClinVar aggregate classification (germline): Uncertain significance. Review status: criteria provided, single submitter (1 of 4 stars). 2 submissions from 2 submitters: Uncertain significance (1). 1 of the submissions does not count toward it. Last evaluated 2022-02-09.

Conditions:
Ventricular fibrillation, paroxysmal familial, 2 (VF2). Identifiers: Orphanet 228140, MedGen C2751829, MONDO:0013063, OMIM 612956.
Intellectual developmental disorder, autosomal dominant 33. Also called: Intellectual disability, autosomal dominant 33. Identifiers: MedGen C4225375, MONDO:0014580, OMIM 616311.

Allele frequency attached by ClinVar (database versions not stated): gnomAD 0.00024 and 0.00021.
gnomAD v4.1: 223 of 1,613,738 alleles (0.014%); highest among the groups gnomAD compares: African/African-American, 0.0053%; no homozygotes.

Submissions (2):

Fulgent Genetics
Classification: Uncertain significance for Ventricular fibrillation, paroxysmal familial, 2; Intellectual developmental disorder, autosomal dominant 33. Last evaluated: 2022-02-09. Review status: criteria provided, single submitter. Criteria: ACMG Guidelines, 2015. Collection method: clinical testing. Allele origin: unknown.

Department of Pathology and Laboratory Medicine, Sinai Health System
Classification: Uncertain significance. Review status: no assertion criteria provided. Collection method: clinical testing. Allele origin: unknown. Affected: yes. Study: The Canadian Open Genetics Repository (COGR). Not counted in ClinVar's aggregate classification.
Comment: The DPP6 p.Ala477Thr variant was not identified in the literature nor was it identified in ClinVar or LOVD 3.0. The variant was identified in dbSNP (ID: rs755543207) and in Cosmic (FATHMM prediction of pathogenic; score=0.96). The variant was identified in control databases in 68 of 280228 chromosomes at a frequency of 0.000243 (Genome Aggregation Database Feb 27, 2017). The variant was observed in the following populations: Ashkenazi Jewish in 52 of 10334 chromosomes (freq: 0.005032), Other in 2 of 7140 chromosomes (freq: 0.00028), European (non-Finnish) in 12 of 128260 chromosomes (freq: 0.000094), East Asian in 1 of 19532 chromosomes (freq: 0.000051) and African in 1 of 24186 chromosomes (freq: 0.000041); it was not observed in the Latino, European (Finnish) and South Asian populations. The variant occurs outside of the splicing consensus sequence and in silico or computational prediction software programs (SpliceSiteFinder, MaxEntScan, NNSPLICE, GeneSplicer) do not predict a difference in splicing at the variant location. The p.Ala477 residue is conserved in mammals but not in more distantly related organisms and computational analyses (PolyPhen-2, SIFT, AlignGVGD, BLOSUM, MutationTaster) provide inconsistent predictions regarding the impact to the protein; this information is not very predictive of pathogenicity. In summary, based on the above information the clinical significance of this variant cannot be determined with certainty at this time. This variant is classified as a variant of uncertain significance.